The following is an entry in ClinVar:

NM_000156.6(GAMT):c.152A>T (p.His51Leu)

Genes: GAMT (guanidinoacetate N-methyltransferase; minus strand), LOC130062945 (ATAC-STARR-seq lymphoblastoid silent region 9707; plus strand). Cytogenetic location: 19p13.3.
Variant type: single nucleotide variant.
Coding change: c.152A>T on transcript NM_000156.6 (MANE Select); coding-DNA position 152, A replaced by T.
Protein change: p.His51Leu; replaces histidine 51 with leucine.
Molecular consequence: missense variant.
Genome position (GRCh38, 1-based): chr19:1,401,325, T>A on the plus strand (A>T on the coding strand, the complement: GAMT is on the minus strand). VCF-style: chr19-1401325-T-A. GRCh37 (hg19) VCF-style: chr19-1401324-T-A.
Other names: c.152A>T, p.His51Leu (NM_138924.3); short protein forms H51L.
Identifiers: ClinVar variation 1524952 (VCV001524952.5), dbSNP rs1473896815, ClinGen allele CA402998051.

ClinVar aggregate classification (germline): Uncertain significance (1 of 4 stars; one submission).

Conditions:
Cerebral creatine deficiency syndrome. Also called: Creatine deficiency syndromes. Identifiers: Orphanet 79172, MedGen C5244016, MONDO:0000456.

Allele frequency attached by ClinVar (database versions not stated): gnomAD exomes below 0.00001 and 0.00001; gnomAD 0.00001; TOPMed 0.00001.
gnomAD v4.1: 4 of 1,523,032 alleles (0.00026%); highest among the groups gnomAD compares: Admixed American, 0.0077%; no homozygotes.

Submission:

Labcorp Genetics (formerly Invitae), Labcorp
Classification: Uncertain significance for Cerebral creatine deficiency syndrome. Last evaluated: 2022-10-13. Review status: criteria provided, single submitter. Criteria: Invitae Variant Classification Sherloc (09022015). Collection method: clinical testing. Allele origin: germline.
Comment: This sequence change replaces histidine, which is basic and polar, with leucine, which is neutral and non-polar, at codon 51 of the GAMT protein (p.His51Leu). The frequency data for this variant in the population databases is considered unreliable, as metrics indicate poor data quality at this position in the gnomAD database. This variant has not been reported in the literature in individuals affected with GAMT-related conditions. ClinVar contains an entry for this variant (Variation ID: 1524952). Advanced modeling of protein sequence and biophysical properties (such as structural, functional, and spatial information, amino acid conservation, physicochemical variation, residue mobility, and thermodynamic stability) has been performed at Invitae for this missense variant, however the output from this modeling did not meet the statistical confidence thresholds required to predict the impact of this variant on GAMT protein function. In summary, the available evidence is currently insufficient to determine the role of this variant in disease. Therefore, it has been classified as a Variant of Uncertain Significance.